The following is an entry in ClinVar:

ClinVar aggregate classification (germline): Uncertain significance (1 of 4 stars; one submission).

Conditions:
Inborn genetic diseases. Identifiers: MedGen C0950123, MeSH D030342.

gnomAD v4.1: 3 of 1,265,938 alleles (0.00024%); highest among the groups gnomAD compares: Non-Finnish European, 0.0003%; no homozygotes.

Submission:

Ambry Genetics
Classification: Uncertain significance for Inborn genetic diseases. Last evaluated: 2025-02-09. Review status: criteria provided, single submitter. Criteria: Ambry Variant Classification Scheme 2023. Collection method: clinical testing. Allele origin: germline.
Comment: The p.P196R variant (also known as c.587C>G), located in coding exon 1 of the CEBPA gene, results from a C to G substitution at nucleotide position 587. The proline at codon 196 is replaced by arginine, an amino acid with dissimilar properties. This amino acid position is conserved. In addition, this alteration is predicted to be tolerated by in silico analysis. Based on the available evidence, the clinical significance of this variant remains unclear.

NM_004364.5(CEBPA):c.587C>G (p.Pro196Arg)

Gene: CEBPA (CCAAT enhancer binding protein alpha; minus strand). Cytogenetic location: 19q13.11.
Variant type: single nucleotide variant.
Coding change: c.587C>G on transcript NM_004364.5 (MANE Select); coding-DNA position 587, C replaced by G.
Protein change: p.Pro196Arg; replaces proline 196 with arginine.
Molecular consequence: missense variant.
Genome position (GRCh38, 1-based): chr19:33,301,828, G>C on the plus strand (C>G on the coding strand, the complement: CEBPA is on the minus strand). VCF-style: chr19-33301828-G-C. GRCh37 (hg19) VCF-style: chr19-33792734-G-C.
Other names: c.230C>G, p.Pro77Arg (NM_001285829.2); c.692C>G, p.Pro231Arg (NM_001287424.2); c.545C>G, p.Pro182Arg (NM_001287435.2); short protein forms P182R, P196R, P231R, P77R.
Identifiers: ClinVar variation 3831226 (VCV003831226.1).